The following is an entry in ClinVar:

NM_001267550.2(TTN):c.105463G>A (p.Glu35155Lys)

Genes: TTN (titin; minus strand), TTN-AS1 (TTN antisense RNA 1; plus strand). Cytogenetic location: 2q31.2.
Variant type: single nucleotide variant.
Coding change: c.105463G>A on transcript NM_001267550.2 (MANE Select); coding-DNA position 105463, G replaced by A.
Protein change: p.Glu35155Lys; replaces glutamic acid 35155 with lysine.
Molecular consequence: missense variant.
Genome position (GRCh38, 1-based): chr2:178,531,152, C>T on the plus strand (G>A on the coding strand, the complement: TTN is on the minus strand). VCF-style: chr2-178531152-C-T. GRCh37 (hg19) VCF-style: chr2-179395879-C-T.
Other names: c.100540G>A, p.Glu33514Lys (NM_001256850.1); c.78268G>A, p.Glu26090Lys (NM_003319.4); c.97759G>A, p.Glu32587Lys (NM_133378.4); c.78643G>A, p.Glu26215Lys (NM_133432.3); c.78844G>A, p.Glu26282Lys (NM_133437.4); short protein forms E35155K, E26215K, E26282K, E32587K, E33514K, E26090K.
Identifiers: ClinVar variation 4793375 (VCV004793375.1).
Genomic context (GRCh38, chr2:178,531,152, plus strand): 5'-GGCGGGCAGAAGTACTTAGCACTTGTCCTTTACGCAGCCAGGTCACAGTTGGTACCGGCT[C>T]ACCATCGGTGTCACAAGAAAACCTTGCAGACTCGCCCTCGTAGACGGTCATGGACCGTGG-3'
Protein context (NP_001254479.2, residues 35145-35165): SARFSCDTDG[Glu35155Lys]PVPTVTWLRK

ClinVar aggregate classification (germline): Uncertain significance (1 of 4 stars; one submission).

Conditions:
Autosomal recessive limb-girdle muscular dystrophy type 2J (LGMDR10). Also called: MUSCULAR DYSTROPHY, LIMB-GIRDLE, AUTOSOMAL RECESSIVE 10; Limb-girdle muscular dystrophy, type 2J. Identifiers: Orphanet 140922, MedGen C1837342, MONDO:0012127, OMIM 608807.
Dilated cardiomyopathy 1G (CMD1G). Identifiers: Orphanet 154, MedGen C1858763, MONDO:0011400, OMIM 604145.

Submission:

Labcorp Genetics (formerly Invitae), Labcorp
Classification: Uncertain significance for Dilated cardiomyopathy 1G; Autosomal recessive limb-girdle muscular dystrophy type 2J. Last evaluated: 2025-12-09. Review status: criteria provided, single submitter. Criteria: Invitae Variant Classification Sherloc (09022015). Collection method: clinical testing. Allele origin: germline.
Comment: This sequence change replaces glutamic acid, which is acidic and polar, with lysine, which is basic and polar, at codon 35155 of the TTN protein (p.Glu35155Lys). This variant is present in population databases (rs748014260, gnomAD 0.006%). This variant has not been reported in the literature in individuals affected with TTN-related conditions. Experimental studies and prediction algorithms are not available or were not evaluated, and the functional significance of this variant is currently unknown. This variant is located in the M band of TTN (PMID: 25589632). Non-truncating variants in this region may be relevant for neuromuscular disorders, but have not been definitively shown to cause cardiomyopathy (PMID: 23975875). In summary, the available evidence is currently insufficient to determine the role of this variant in disease. Therefore, it has been classified as a Variant of Uncertain Significance.

Literature cited by the submitters: PubMed 25589632; PubMed 23975875.